The following is an entry in ClinVar:

NM_006031.6(PCNT):c.2610-50T>G

Gene: PCNT (pericentrin; plus strand). Cytogenetic location: 21q22.3.
Variant type: single nucleotide variant.
Coding change: c.2610-50T>G on transcript NM_006031.6 (MANE Select); 50 bases into the intron before coding-DNA position 2610, T replaced by G.
Molecular consequence: intron variant.
Genome position (GRCh38, 1-based): chr21:46,366,534, T>G. VCF-style: chr21-46366534-T-G. GRCh37 (hg19) VCF-style: chr21-47786449-T-G.
Other names: c.2256-50T>G (NM_001315529.2).
Identifiers: ClinVar variation 674222 (VCV000674222.2), dbSNP rs9637173, ClinGen allele CA10079038.

ClinVar aggregate classification (germline): Benign. Review status: criteria provided, multiple submitters, no conflicts (2 of 4 stars). 2 submissions from 2 submitters: Benign (2). Last evaluated 2018-06-16.

Allele frequency attached by ClinVar (database versions not stated): 1000 Genomes Project 0.04054; 1000 Genomes Project 30x 0.04934.
gnomAD v4.1: 99,209 of 1,514,226 alleles (6.6%); highest among the groups gnomAD compares: Admixed American, 24%; 4,835 homozygotes.

Submissions (2):

GeneDx
Classification: Benign. Last evaluated: 2018-06-16. Review status: criteria provided, single submitter. Criteria: GeneDx Variant Classification (06012015). Collection method: clinical testing. Allele origin: germline. Affected: yes.
Comment: This variant is considered likely benign or benign based on one or more of the following criteria: it is a conservative change, it occurs at a poorly conserved position in the protein, it is predicted to be benign by multiple in silico algorithms, and/or has population frequency not consistent with disease.

Breakthrough Genomics
Classification: Benign. Review status: criteria provided, single submitter. Criteria: ACMG Guidelines, 2015. Collection method: not provided. Allele origin: germline. Inheritance: Autosomal recessive inheritance. Affected: yes.